The following is an entry in ClinVar:

NM_001184.4(ATR):c.7355G>C (p.Ser2452Thr)

Gene: ATR (ATR checkpoint kinase; minus strand). Cytogenetic location: 3q23.
Variant type: single nucleotide variant.
Coding change: c.7355G>C on transcript NM_001184.4 (MANE Select); coding-DNA position 7355, G replaced by C.
Protein change: p.Ser2452Thr; replaces serine 2452 with threonine.
Molecular consequence: missense variant.
Genome position (GRCh38, 1-based): chr3:142,459,106, C>G on the plus strand (G>C on the coding strand, the complement: ATR is on the minus strand). VCF-style: chr3-142459106-C-G. GRCh37 (hg19) VCF-style: chr3-142177948-C-G.
Other names: c.7163G>C, p.Ser2388Thr (NM_001354579.2); short protein forms S2452T, S2388T.
Identifiers: ClinVar variation 2453574 (VCV002453574.2), dbSNP rs2108260681, ClinGen allele CA354796386.

ClinVar aggregate classification (germline): Uncertain significance (1 of 4 stars; one submission).

Conditions:
Inborn genetic diseases. Identifiers: MedGen C0950123, MeSH D030342.

Submission:

Ambry Genetics
Classification: Uncertain significance for Inborn genetic diseases. Last evaluated: 2023-01-21. Review status: criteria provided, single submitter. Criteria: Ambry Variant Classification Scheme 2023. Collection method: clinical testing. Allele origin: germline.
Comment: The p.S2452T variant (also known as c.7355G>C), located in coding exon 44 of the ATR gene, results from a G to C substitution at nucleotide position 7355. The serine at codon 2452 is replaced by threonine, an amino acid with similar properties. This amino acid position is conserved. In addition, this alteration is predicted to be tolerated by in silico analysis. Since supporting evidence is limited at this time, the clinical significance of this alteration remains unclear.